The following is an entry in ClinVar:

NM_000439.5(PCSK1):c.2179G>A (p.Val727Ile)

Genes: CAST (calpastatin; plus strand), PCSK1 (proprotein convertase subtilisin/kexin type 1; minus strand), LOC101929710 (uncharacterized LOC101929710; plus strand). Cytogenetic location: 5q15.
Variant type: single nucleotide variant.
Coding change: c.2179G>A on transcript NM_000439.5 (MANE Select); coding-DNA position 2179, G replaced by A.
Protein change: p.Val727Ile; replaces valine 727 with isoleucine.
Molecular consequence: missense variant.
Genome position (GRCh38, 1-based): chr5:96,393,084, C>T on the plus strand (G>A on the coding strand, the complement: PCSK1 is on the minus strand). VCF-style: chr5-96393084-C-T. GRCh37 (hg19) VCF-style: chr5-95728788-C-T.
Other names: c.2038G>A, p.Val680Ile (NM_001177875.2); short protein forms V680I, V727I.
Identifiers: ClinVar variation 2228263 (VCV002228263.3), dbSNP rs770045247, ClinGen allele CA3350037.

ClinVar aggregate classification (germline): Uncertain significance. Review status: criteria provided, single submitter (1 of 4 stars). 2 submissions from 2 submitters: Uncertain significance (1). 1 of the submissions does not count toward it. Last evaluated 2021-09-16.

Conditions:
Inborn genetic diseases. Identifiers: MedGen C0950123, MeSH D030342.
PCSK1-related disorder. Also called: PCSK1-related condition.

Allele frequency attached by ClinVar (database versions not stated): gnomAD exomes 0.00001; ExAC 0.00003.
gnomAD v4.1: 6 of 1,614,140 alleles (0.00037%); highest among the groups gnomAD compares: Admixed American, 0.005%; no homozygotes.

Submissions (2):

Ambry Genetics
Classification: Uncertain significance for Inborn genetic diseases. Last evaluated: 2021-09-16. Review status: criteria provided, single submitter. Criteria: Ambry Variant Classification Scheme 2023. Collection method: clinical testing. Allele origin: germline.

PreventionGenetics, part of Exact Sciences
Classification: Uncertain significance for PCSK1-related condition. Last evaluated: 2024-06-10. Review status: no assertion criteria provided. Collection method: clinical testing. Allele origin: germline. Not counted in ClinVar's aggregate classification.
Comment: The PCSK1 c.2179G>A variant is predicted to result in the amino acid substitution p.Val727Ile. This variant was observed in a cohort of individuals with obesity, and in vitro functional studies showed this variant did not reduce protein function and could cause increased function (Supplemental Data Set 3, Shah et al. 2023. PubMed ID: 36864747). This variant is reported in 0.0087% of alleles in individuals of Latino descent in gnomAD. At this time, the clinical significance of this variant is uncertain due to the absence of conclusive functional and genetic evidence.